The following is an entry in ClinVar:

ClinVar aggregate classification (germline): Uncertain significance. Review status: criteria provided, multiple submitters, no conflicts (2 of 4 stars). 2 submissions from 2 submitters: Uncertain significance (2). Last evaluated 2025-08-01.

Conditions:
Hypertrophic cardiomyopathy. Also called: HYPERTROPHIC MYOCARDIOPATHY. Identifiers: Orphanet 217569, MedGen C0007194, MeSH D002312, MONDO:0005045, HP:0001639.

Allele frequency attached by ClinVar (database versions not stated): ExAC 0.00001; gnomAD 0.00001; TOPMed 0.00001.
gnomAD v4.1: 27 of 1,606,376 alleles (0.0017%); highest among the groups gnomAD compares: Non-Finnish European, 0.0023%; no homozygotes.

Submissions (2):

Ambry Genetics
Classification: Uncertain significance. Last evaluated: 2025-08-01. Review status: criteria provided, single submitter. Criteria: Ambry Variant Classification Scheme 2023. Collection method: clinical testing. Allele origin: germline.

Labcorp Genetics (formerly Invitae), Labcorp
Classification: Uncertain significance for Hypertrophic cardiomyopathy. Last evaluated: 2025-04-13. Review status: criteria provided, single submitter. Criteria: Invitae Variant Classification Sherloc (09022015). Collection method: clinical testing. Allele origin: germline.
Comment: This sequence change replaces isoleucine, which is neutral and non-polar, with asparagine, which is neutral and polar, at codon 1389 of the MYOM1 protein (p.Ile1389Asn). This variant is present in population databases (rs775303637, gnomAD 0.002%). This variant has not been reported in the literature in individuals affected with MYOM1-related conditions. ClinVar contains an entry for this variant (Variation ID: 1943669). Invitae Evidence Modeling of protein sequence and biophysical properties (such as structural, functional, and spatial information, amino acid conservation, physicochemical variation, residue mobility, and thermodynamic stability) has been performed for this missense variant. However, the output from this modeling did not meet the statistical confidence thresholds required to predict the impact of this variant on MYOM1 protein function. In summary, the available evidence is currently insufficient to determine the role of this variant in disease. Therefore, it has been classified as a Variant of Uncertain Significance.

NM_003803.4(MYOM1):c.4166T>A (p.Ile1389Asn)

Gene: MYOM1 (myomesin 1; minus strand). Cytogenetic location: 18p11.31.
Variant type: single nucleotide variant.
Coding change: c.4166T>A on transcript NM_003803.4 (MANE Select); coding-DNA position 4166, T replaced by A.
Protein change: p.Ile1389Asn; replaces isoleucine 1389 with asparagine.
Molecular consequence: missense variant.
Genome position (GRCh38, 1-based): chr18:3,086,123, A>T on the plus strand (T>A on the coding strand, the complement: MYOM1 is on the minus strand). VCF-style: chr18-3086123-A-T. GRCh37 (hg19) VCF-style: chr18-3086121-A-T.
Other names: c.3878T>A, p.Ile1293Asn (NM_019856.2); short protein forms I1389N, I1293N.
Identifiers: ClinVar variation 1943669 (VCV001943669.6), dbSNP rs775303637, ClinGen allele CA8874024.